The following is an entry in ClinVar:

NM_016360.4(TACO1):c.448A>G (p.Ile150Val)

Gene: TACO1 (translational activator of cytochrome c oxidase I; plus strand). Cytogenetic location: 17q23.3.
Variant type: single nucleotide variant.
Coding change: c.448A>G on transcript NM_016360.4 (MANE Select); coding-DNA position 448, A replaced by G.
Protein change: p.Ile150Val; replaces isoleucine 150 with valine.
Molecular consequence: missense variant.
Genome position (GRCh38, 1-based): chr17:63,606,373, A>G. VCF-style: chr17-63606373-A-G. GRCh37 (hg19) VCF-style: chr17-61683733-A-G.
Other names: c.448A>G (NM_016360.3); short protein forms I150V.
Identifiers: ClinVar variation 1514943 (VCV001514943.11), dbSNP rs551788479, ClinGen allele CA8702137.
Genomic context (GRCh38, chr17:63,606,373, plus strand): 5'-AAATCCAAGGACACTTATTTGCTGTATGAGGGTCGAGGCCCTGGTGGCTCTTCTCTGCTC[A>G]TCGAGGCATTATCTAACAGTAGCCACAAGTGCCAAGCAGACATTAGACATATCCTGAATA-3'
Protein context (NP_057444.2, residues 140-160): GRGPGGSSLL[Ile150Val]EALSNSSHKC

ClinVar aggregate classification (germline): Uncertain significance. Review status: criteria provided, multiple submitters, no conflicts (2 of 4 stars). 5 submissions from 5 submitters: Uncertain significance (5). Last evaluated 2026-03-12.

Conditions:
Inborn genetic diseases. Identifiers: MedGen C0950123, MeSH D030342.
TACO1-related disorder. Also called: TACO1-related condition.
Mitochondrial complex IV deficiency, nuclear type 8. Also called: Mitochondrial complex 4 deficiency, nuclear type 8. Identifiers: MedGen C5436689, MONDO:0033638, OMIM 619052.

Allele frequency attached by ClinVar (database versions not stated): gnomAD exomes below 0.00001 and 0.00002; ExAC 0.00002; gnomAD 0.00006 and 0.00008; TOPMed 0.00008; 1000 Genomes Project 0.00040; 1000 Genomes Project 30x 0.00047.
gnomAD v4.1: 24 of 1,614,174 alleles (0.0015%); highest among the groups gnomAD compares: African/African-American, 0.019%; no homozygotes.

Submissions (5):

GeneDx
Classification: Uncertain significance. Last evaluated: 2026-03-12. Review status: criteria provided, single submitter. Criteria: GeneDx Variant Classification Process June 2021. Collection method: clinical testing. Allele origin: germline.
Comment: In silico analysis suggests that this missense variant does not alter protein structure/function; Has not been previously published as pathogenic or benign to our knowledge

PreventionGenetics, part of Exact Sciences
Classification: Uncertain significance for TACO1-related condition. Last evaluated: 2026-03-09. Review status: criteria provided, single submitter. Criteria: ACMG Guidelines, 2015. Collection method: clinical testing. Allele origin: germline.
Comment: The TACO1 c.448A>G variant is predicted to result in the amino acid substitution p.Ile150Val. To our knowledge, this variant has not been reported in the literature. This variant is reported in 0.020% of alleles in individuals of African descent in gnomAD. At this time, the clinical significance of this variant is uncertain due to the absence of conclusive functional and genetic evidence.

Ambry Genetics
Classification: Uncertain significance for Inborn genetic diseases. Last evaluated: 2025-11-19. Review status: criteria provided, single submitter. Criteria: Ambry Variant Classification Scheme 2023. Collection method: clinical testing. Allele origin: germline.

Labcorp Genetics (formerly Invitae), Labcorp
Classification: Uncertain significance. Last evaluated: 2022-05-21. Review status: criteria provided, single submitter. Criteria: Invitae Variant Classification Sherloc (09022015). Collection method: clinical testing. Allele origin: germline.
Comment: This variant has not been reported in the literature in individuals affected with TACO1-related conditions. This variant is present in population databases (rs551788479, gnomAD 0.02%). This sequence change replaces isoleucine, which is neutral and non-polar, with valine, which is neutral and non-polar, at codon 150 of the TACO1 protein (p.Ile150Val). Algorithms developed to predict the effect of missense changes on protein structure and function output the following: SIFT: "Tolerated"; PolyPhen-2: "Benign"; Align-GVGD: "Class C0". The valine amino acid residue is found in multiple mammalian species, which suggests that this missense change does not adversely affect protein function. In summary, the available evidence is currently insufficient to determine the role of this variant in disease. Therefore, it has been classified as a Variant of Uncertain Significance.

Fulgent Genetics
Classification: Uncertain significance for Mitochondrial complex IV deficiency, nuclear type 8. Last evaluated: 2022-02-23. Review status: criteria provided, single submitter. Criteria: ACMG Guidelines, 2015. Collection method: clinical testing. Allele origin: unknown.